The following is an entry in ClinVar:

ClinVar aggregate classification (germline): Uncertain significance (1 of 4 stars; one submission).

Conditions:
Hereditary cancer-predisposing syndrome. Also called: Tumor predisposition; Hereditary neoplastic syndrome; Neoplastic Syndromes, Hereditary; Hereditary Cancer Syndrome. Identifiers: Orphanet 140162, MedGen C0027672, MeSH D009386, MONDO:0015356.

Submission:

Ambry Genetics
Classification: Uncertain significance for Hereditary cancer-predisposing syndrome. Last evaluated: 2025-04-17. Review status: criteria provided, single submitter. Criteria: Ambry Variant Classification Scheme 2023. Collection method: clinical testing. Allele origin: germline.
Comment: The p.L612V variant (also known as c.1834T>G), located in coding exon 12 of the BRIP1 gene, results from a T to G substitution at nucleotide position 1834. The leucine at codon 612 is replaced by valine, an amino acid with highly similar properties. This amino acid position is conserved. In addition, this alteration is predicted to be tolerated by in silico analysis. Based on the available evidence, the clinical significance of this variant remains unclear.

NM_032043.3(BRIP1):c.1834T>G (p.Leu612Val)

Gene: BRIP1 (BRCA1 interacting DNA helicase 1; minus strand). Cytogenetic location: 17q23.2.
Variant type: single nucleotide variant.
Coding change: c.1834T>G on transcript NM_032043.3 (MANE Select); coding-DNA position 1834, T replaced by G.
Protein change: p.Leu612Val; replaces leucine 612 with valine.
Molecular consequence: missense variant.
Genome position (GRCh38, 1-based): chr17:61,780,362, A>C on the plus strand (T>G on the coding strand, the complement: BRIP1 is on the minus strand). VCF-style: chr17-61780362-A-C. GRCh37 (hg19) VCF-style: chr17-59857723-A-C.
Other names: short protein forms L612V.
Identifiers: ClinVar variation 3993145 (VCV003993145.1).